The following is an entry in ClinVar:

ClinVar aggregate classification (germline): Uncertain significance. Review status: criteria provided, multiple submitters, no conflicts (2 of 4 stars). 3 submissions from 3 submitters: Uncertain significance (2). 1 of the submissions does not count toward it. Last evaluated 2022-06-11.

Conditions:
Nemaline myopathy 2 (NEM2). Also called: Nemaline myopathy 2, autosomal recessive. Identifiers: MedGen C1850569, MONDO:0009725, OMIM 256030.

Allele frequency attached by ClinVar (database versions not stated): gnomAD exomes below 0.00001; gnomAD 0.00001; TOPMed 0.00001.
gnomAD v4.1: 7 of 1,612,718 alleles (0.00043%); highest among the groups gnomAD compares: Admixed American, 0.0017%; no homozygotes.

Submissions (3):

Labcorp Genetics (formerly Invitae), Labcorp
Classification: Uncertain significance for Nemaline myopathy 2. Last evaluated: 2022-06-11. Review status: criteria provided, single submitter. Criteria: Invitae Variant Classification Sherloc (09022015). Collection method: clinical testing. Allele origin: germline.
Comment: In summary, the available evidence is currently insufficient to determine the role of this variant in disease. Therefore, it has been classified as a Variant of Uncertain Significance. Algorithms developed to predict the effect of missense changes on protein structure and function are either unavailable or do not agree on the potential impact of this missense change (SIFT: "Deleterious"; PolyPhen-2: "Not Available"; Align-GVGD: "Class C0"). ClinVar contains an entry for this variant (Variation ID: 648272). This variant has not been reported in the literature in individuals affected with NEB-related conditions. This variant is not present in population databases (gnomAD no frequency). This sequence change replaces tyrosine, which is neutral and polar, with cysteine, which is neutral and slightly polar, at codon 1552 of the NEB protein (p.Tyr1552Cys).

Revvity Omics, Revvity
Classification: Uncertain significance. Last evaluated: 2019-10-17. Review status: criteria provided, single submitter. Criteria: ACMG Guidelines, 2015. Collection method: clinical testing. Allele origin: germline.

Natera, Inc.
Classification: Uncertain significance for Nemaline myopathy type 2. Last evaluated: 2020-09-16. Review status: no assertion criteria provided. Collection method: clinical testing. Allele origin: germline. Not counted in ClinVar's aggregate classification.

NM_001164508.2(NEB):c.4655A>G (p.Tyr1552Cys)

Gene: NEB (nebulin; minus strand). Cytogenetic location: 2q23.3.
Variant type: single nucleotide variant.
Coding change: c.4655A>G on transcript NM_001164508.2 (MANE Select); coding-DNA position 4655, A replaced by G.
Protein change: p.Tyr1552Cys; replaces tyrosine 1552 with cysteine.
Molecular consequence: missense variant.
Genome position (GRCh38, 1-based): chr2:151,667,868, T>C on the plus strand (A>G on the coding strand, the complement: NEB is on the minus strand). VCF-style: chr2-151667868-T-C. GRCh37 (hg19) VCF-style: chr2-152524382-T-C.
Other names: c.4655A>G, p.Tyr1552Cys (NM_001164507.2, NM_001271208.2, NM_004543.5); short protein forms Y1552C.
Identifiers: ClinVar variation 648272 (VCV000648272.9), dbSNP rs1257025966, ClinGen allele CA348814312.